The following is an entry in ClinVar:

NM_003872.3(NRP2):c.1808C>T (p.Thr603Met)

Gene: NRP2 (neuropilin 2; plus strand). Cytogenetic location: 2q33.3.
Variant type: single nucleotide variant.
Coding change: c.1808C>T on transcript NM_003872.3 (MANE Select); coding-DNA position 1808, C replaced by T.
Protein change: p.Thr603Met; replaces threonine 603 with methionine.
Molecular consequence: missense variant.
Genome position (GRCh38, 1-based): chr2:205,749,746, C>T. VCF-style: chr2-205749746-C-T. GRCh37 (hg19) VCF-style: chr2-206614470-C-T.
Other names: c.1808C>T, p.Thr603Met (NM_018534.4, NM_201266.2, NM_201267.2 and 1 more transcripts); short protein forms T603M.
Identifiers: ClinVar variation 3052052 (VCV003052052.3), dbSNP rs372509246, ClinGen allele CA2069223.

ClinVar aggregate classification (germline): Uncertain significance (1 of 4 stars; one submission).

Conditions:
NRP2-related disorder. Also called: NRP2-related condition.

Allele frequency attached by ClinVar (database versions not stated): ESP Exome Variant Server 0.00008; 1000 Genomes Project 0.00020; 1000 Genomes Project 30x 0.00031.
gnomAD v4.1: 79 of 1,614,122 alleles (0.0049%); highest among the groups gnomAD compares: Middle Eastern, 0.016%; no homozygotes.

Submission:

PreventionGenetics, part of Exact Sciences
Classification: Uncertain significance for NRP2-related condition. Last evaluated: 2026-09-15. Review status: criteria provided, single submitter. Criteria: ACMG Guidelines, 2015. Collection method: clinical testing. Allele origin: germline.
Comment: The NRP2 c.1808C>T variant is predicted to result in the amino acid substitution p.Thr603Met. To our knowledge, this variant has not been reported in the literature. This variant is reported in 0.0087% of alleles in individuals of Latino descent in gnomAD. At this time, the clinical significance of this variant is uncertain due to the absence of conclusive functional and genetic evidence.